The following is an entry in ClinVar:

NM_005477.3(HCN4):c.17C>A (p.Pro6Gln)

Gene: HCN4 (hyperpolarization activated cyclic nucleotide gated potassium channel 4; minus strand). Cytogenetic location: 15q24.1.
Variant type: single nucleotide variant.
Coding change: c.17C>A on transcript NM_005477.3 (MANE Select); coding-DNA position 17, C replaced by A.
Protein change: p.Pro6Gln; replaces proline 6 with glutamine.
Molecular consequence: missense variant.
Genome position (GRCh38, 1-based): chr15:73,368,254, G>T on the plus strand (C>A on the coding strand, the complement: HCN4 is on the minus strand). VCF-style: chr15-73368254-G-T. GRCh37 (hg19) VCF-style: chr15-73660595-G-T.
Other names: short protein forms P6Q.
Identifiers: ClinVar variation 1509269 (VCV001509269.10), dbSNP rs772656493, ClinGen allele CA393099266.

ClinVar aggregate classification (germline): Uncertain significance. Review status: criteria provided, multiple submitters, no conflicts (2 of 4 stars). 2 submissions from 2 submitters: Uncertain significance (2). Last evaluated 2025-09-28.

Conditions:
Cardiovascular phenotype. Identifiers: MedGen CN230736.
Brugada syndrome 8 (BRGDA8). Identifiers: Orphanet 130, MedGen C2751083, MONDO:0013148, OMIM 613123.

gnomAD v4.1: 1 of 1,496,910 alleles (0.000067%); highest among the groups gnomAD compares: South Asian, 0.0013%; no homozygotes.

Submissions (2):

Labcorp Genetics (formerly Invitae), Labcorp
Classification: Uncertain significance for Brugada syndrome 8. Last evaluated: 2025-09-28. Review status: criteria provided, single submitter. Criteria: Invitae Variant Classification Sherloc (09022015). Collection method: clinical testing. Allele origin: germline.
Comment: This sequence change replaces proline, which is neutral and non-polar, with glutamine, which is neutral and polar, at codon 6 of the HCN4 protein (p.Pro6Gln). This variant is not present in population databases (gnomAD no frequency). This variant has not been reported in the literature in individuals affected with HCN4-related conditions. ClinVar contains an entry for this variant (Variation ID: 1509269). Invitae Evidence Modeling of protein sequence and biophysical properties (such as structural, functional, and spatial information, amino acid conservation, physicochemical variation, residue mobility, and thermodynamic stability) has been performed for this missense variant. However, the output from this modeling did not meet the statistical confidence thresholds required to predict the impact of this variant on HCN4 protein function. In summary, the available evidence is currently insufficient to determine the role of this variant in disease. Therefore, it has been classified as a Variant of Uncertain Significance.

Ambry Genetics
Classification: Uncertain significance for Cardiovascular phenotype. Last evaluated: 2019-11-06. Review status: criteria provided, single submitter. Criteria: Ambry Variant Classification Scheme 2023. Collection method: clinical testing. Allele origin: germline.
Comment: The p.P6Q variant (also known as c.17C>A), located in coding exon 1 of the HCN4 gene, results from a C to A substitution at nucleotide position 17. The proline at codon 6 is replaced by glutamine, an amino acid with similar properties. This amino acid position is not well conserved in available vertebrate species. In addition, the in silico prediction for this alteration is inconclusive. Since supporting evidence is limited at this time, the clinical significance of this alteration remains unclear.